The following is an entry in ClinVar:

ClinVar aggregate classification (germline): Benign/Likely benign. Review status: criteria provided, multiple submitters, no conflicts (2 of 4 stars). 4 submissions from 4 submitters: Benign (1); Likely benign (3). Last evaluated 2025-05-13.

Conditions:
Hereditary cancer-predisposing syndrome. Also called: Neoplastic Syndromes, Hereditary; Tumor predisposition; Hereditary Cancer Syndrome; Hereditary neoplastic syndrome. Identifiers: Orphanet 140162, MedGen C0027672, MeSH D009386, MONDO:0015356.
Tuberous sclerosis syndrome (TSC). Also called: Tuberous sclerosis; Tuberous Sclerosis Complex. Identifiers: Orphanet 805, MedGen C0041341, MONDO:0001734.
Tuberous sclerosis 2 (TSC2). Identifiers: Orphanet 805, MedGen C1860707, MONDO:0013199, OMIM 613254.

gnomAD v4.1: 2 of 1,614,200 alleles (0.00012%); highest among the groups gnomAD compares: South Asian, 0.0011%; no homozygotes.

Submissions (4):

Myriad Genetics, Inc.
Classification: Benign for Tuberous sclerosis 2. Last evaluated: 2025-05-13. Review status: criteria provided, single submitter. Criteria: Myriad Autosomal Dominant, Autosomal Recessive and X-Linked Classification Criteria (2023). Collection method: clinical testing. Allele origin: unknown.
Comment: This variant is considered benign. This variant is a silent/synonymous amino acid change and it is not expected to impact splicing.

Ambry Genetics
Classification: Likely benign for Hereditary cancer-predisposing syndrome. Last evaluated: 2025-04-28. Review status: criteria provided, single submitter. Criteria: Ambry Variant Classification Scheme 2023. Collection method: clinical testing. Allele origin: germline.

All of Us Research Program, National Institutes of Health
Classification: Likely benign for Tuberous sclerosis syndrome. Last evaluated: 2024-02-05. Review status: criteria provided, single submitter. Criteria: ACMG Guidelines, 2015. Collection method: clinical testing. Allele origin: germline. Inheritance: Autosomal dominant inheritance. Observed: 1 variant allele, 1 heterozygote.
Comment: This study involves interpretation of variants in research participants for the purpose of population health screening. Participant phenotype was not available at the time of variant classification. Additional details can be found in publication PMID: 35346344, PMCID: PMC8962531

Labcorp Genetics (formerly Invitae), Labcorp
Classification: Likely benign for Tuberous sclerosis 2. Last evaluated: 2022-03-22. Review status: criteria provided, single submitter. Criteria: Invitae Variant Classification Sherloc (09022015). Collection method: clinical testing. Allele origin: germline.

NM_000548.5(TSC2):c.1146C>T (p.Thr382=)

Gene: TSC2 (TSC complex subunit 2; plus strand). Cytogenetic location: 16p13.3.
Variant type: single nucleotide variant.
Coding change: c.1146C>T on transcript NM_000548.5 (MANE Select); coding-DNA position 1146, C replaced by T.
Protein change: p.Thr382=; no amino-acid change (threonine 382 retained).
Molecular consequence: synonymous variant.
Genome position (GRCh38, 1-based): chr16:2,061,897, C>T. VCF-style: chr16-2061897-C-T. GRCh37 (hg19) VCF-style: chr16-2111898-C-T.
Other names: c.1146C>T (NM_000548.3); c.1146C>T, p.Thr382= (NM_001077183.3, NM_001114382.3, NM_001363528.2 and 3 more transcripts); c.1035C>T, p.Thr345= (NM_001318827.2); c.999C>T, p.Thr333= (NM_001318829.2); c.546C>T, p.Thr182= (NM_001318831.2); c.1179C>T, p.Thr393= (NM_001318832.2).
Identifiers: ClinVar variation 1573773 (VCV001573773.11), dbSNP rs887128869, ClinGen allele CA492961742.